The following is an entry in ClinVar:

ClinVar aggregate classification (germline): Uncertain significance (1 of 4 stars; one submission).

gnomAD v4.1: 1 of 1,614,064 alleles (0.000062%); highest among the groups gnomAD compares: African/African-American, 0.0013%; no homozygotes.

Submission:

Labcorp Genetics (formerly Invitae), Labcorp
Classification: Uncertain significance. Last evaluated: 2024-02-24. Review status: criteria provided, single submitter. Criteria: Invitae Variant Classification Sherloc (09022015). Collection method: clinical testing. Allele origin: germline.
Comment: This sequence change replaces glutamine, which is neutral and polar, with proline, which is neutral and non-polar, at codon 2075 of the MYCBP2 protein (p.Gln2075Pro). This variant is not present in population databases (gnomAD no frequency). This variant has not been reported in the literature in individuals affected with MYCBP2-related conditions. An algorithm developed to predict the effect of missense changes on protein structure and function (PolyPhen-2) suggests that this variant is likely to be tolerated. In summary, the available evidence is currently insufficient to determine the role of this variant in disease. Therefore, it has been classified as a Variant of Uncertain Significance.

NM_015057.5(MYCBP2):c.6224A>C (p.Gln2075Pro)

Gene: MYCBP2 (MYC binding protein 2; minus strand). Cytogenetic location: 13q22.3.
Variant type: single nucleotide variant.
Coding change: c.6224A>C on transcript NM_015057.5 (MANE Select); coding-DNA position 6224, A replaced by C.
Protein change: p.Gln2075Pro; replaces glutamine 2075 with proline.
Molecular consequence: missense variant.
Genome position (GRCh38, 1-based): chr13:77,166,445, T>G on the plus strand (A>C on the coding strand, the complement: MYCBP2 is on the minus strand). VCF-style: chr13-77166445-T-G. GRCh37 (hg19) VCF-style: chr13-77740580-T-G.
Other names: short protein forms Q2075P.
Identifiers: ClinVar variation 3677678 (VCV003677678.2).